The following is an entry in ClinVar:

NM_001267550.2(TTN):c.106097G>T (p.Gly35366Val)

Genes: TTN (titin; minus strand), TTN-AS1 (TTN antisense RNA 1; plus strand), LOC129935182 (ATAC-STARR-seq lymphoblastoid active region 16807; plus strand). Cytogenetic location: 2q31.2.
Variant type: single nucleotide variant.
Coding change: c.106097G>T on transcript NM_001267550.2 (MANE Select); coding-DNA position 106097, G replaced by T.
Protein change: p.Gly35366Val; replaces glycine 35366 with valine.
Molecular consequence: missense variant.
Genome position (GRCh38, 1-based): chr2:178,530,518, C>A on the plus strand (G>T on the coding strand, the complement: TTN is on the minus strand). VCF-style: chr2-178530518-C-A. GRCh37 (hg19) VCF-style: chr2-179395245-C-A.
Other names: c.101174G>T, p.Gly33725Val (NM_001256850.1); c.78902G>T, p.Gly26301Val (NM_003319.4); c.98393G>T, p.Gly32798Val (NM_133378.4); c.79277G>T, p.Gly26426Val (NM_133432.3); c.79478G>T, p.Gly26493Val (NM_133437.4); short protein forms G26493V, G26301V, G35366V, G26426V, G33725V, G32798V.
Identifiers: ClinVar variation 4785550 (VCV004785550.1).

ClinVar aggregate classification (germline): Uncertain significance (1 of 4 stars; one submission).

Conditions:
Autosomal recessive limb-girdle muscular dystrophy type 2J (LGMDR10). Also called: Limb-girdle muscular dystrophy, type 2J; MUSCULAR DYSTROPHY, LIMB-GIRDLE, AUTOSOMAL RECESSIVE 10. Identifiers: Orphanet 140922, MedGen C1837342, MONDO:0012127, OMIM 608807.
Dilated cardiomyopathy 1G (CMD1G). Identifiers: Orphanet 154, MedGen C1858763, MONDO:0011400, OMIM 604145.

Submission:

Labcorp Genetics (formerly Invitae), Labcorp
Classification: Uncertain significance for Dilated cardiomyopathy 1G; Autosomal recessive limb-girdle muscular dystrophy type 2J. Last evaluated: 2025-07-13. Review status: criteria provided, single submitter. Criteria: Invitae Variant Classification Sherloc (09022015). Collection method: clinical testing. Allele origin: germline.
Comment: This sequence change replaces glycine, which is neutral and non-polar, with valine, which is neutral and non-polar, at codon 35366 of the TTN protein (p.Gly35366Val). This variant is not present in population databases (gnomAD no frequency). This variant has not been reported in the literature in individuals affected with TTN-related conditions. Experimental studies and prediction algorithms are not available or were not evaluated, and the functional significance of this variant is currently unknown. This variant is located in the M band of TTN (PMID: 25589632). Non-truncating variants in this region may be relevant for neuromuscular disorders, but have not been definitively shown to cause cardiomyopathy (PMID: 23975875). In summary, the available evidence is currently insufficient to determine the role of this variant in disease. Therefore, it has been classified as a Variant of Uncertain Significance.

Literature cited by the submitters: PubMed 25589632; PubMed 23975875.